The following is an entry in ClinVar:

ClinVar aggregate classification (germline): Uncertain significance (1 of 4 stars; one submission).

Allele frequency attached by ClinVar (database versions not stated): TOPMed below 0.00001; gnomAD exomes 0.00004; ExAC 0.00014.
gnomAD v4.1: 23 of 1,610,608 alleles (0.0014%); highest among the groups gnomAD compares: Admixed American, 0.038%; no homozygotes.

Submission:

Labcorp Genetics (formerly Invitae), Labcorp
Classification: Uncertain significance. Last evaluated: 2022-07-01. Review status: criteria provided, single submitter. Criteria: Invitae Variant Classification Sherloc (09022015). Collection method: clinical testing. Allele origin: germline.
Comment: In summary, the available evidence is currently insufficient to determine the role of this variant in disease. Therefore, it has been classified as a Variant of Uncertain Significance. Algorithms developed to predict the effect of sequence changes on RNA splicing suggest that this variant may disrupt the consensus splice site. This variant has not been reported in the literature in individuals affected with PGAP3-related conditions. This variant is present in population databases (rs753145342, gnomAD 0.04%). This sequence change falls in intron 1 of the PGAP3 gene. It does not directly change the encoded amino acid sequence of the PGAP3 protein.

NM_033419.5(PGAP3):c.182-8T>C

Gene: PGAP3 (post-GPI attachment to proteins phospholipase 3; minus strand). Cytogenetic location: 17q12.
Variant type: single nucleotide variant.
Coding change: c.182-8T>C on transcript NM_033419.5 (MANE Select); 8 bases into the intron before coding-DNA position 182, T replaced by C.
Molecular consequence: intron variant.
Genome position (GRCh38, 1-based): chr17:39,686,027, A>G on the plus strand (T>C on the coding strand, the complement: PGAP3 is on the minus strand). VCF-style: chr17-39686027-A-G. GRCh37 (hg19) VCF-style: chr17-37842280-A-G.
Other names: c.182-8T>C (NM_001291726.2, NM_001291733.2, NM_001291732.2 and 2 more transcripts).
Identifiers: ClinVar variation 1980486 (VCV001980486.2), dbSNP rs753145342, ClinGen allele CA8533441.
Genomic context (GRCh38, chr17:39,686,027, plus strand): 5'-CCCAACGGTGACCCACATACACTCATACTTACAGTCGTCCCGACAGGTCCAGCCTGAAAC[A>G]GACAAATGTGGCCTGGTGAACTCCCCAGCACAGAGAGGAAAGAGAGAGCATGAATGGGGT-3'